The following is an entry in ClinVar:

ClinVar aggregate classification (germline): Uncertain significance. Review status: criteria provided, multiple submitters, no conflicts (2 of 4 stars). 2 submissions from 2 submitters: Uncertain significance (2). Last evaluated 2025-09-10.

Conditions:
ANXA11-related disorder. Also called: ANXA11-related condition.

gnomAD v4.1: 2 of 1,614,182 alleles (0.00012%); highest among the groups gnomAD compares: Non-Finnish European, 0.00017%; no homozygotes.

Submissions (2):

PreventionGenetics, part of Exact Sciences
Classification: Uncertain significance for ANXA11-related condition. Last evaluated: 2025-09-10. Review status: criteria provided, single submitter. Criteria: ACMG Guidelines, 2015. Collection method: clinical testing. Allele origin: germline.
Comment: The ANXA11 c.921C>G variant is predicted to result in the amino acid substitution p.Ile307Met. This variant has been reported in an individual with amyotrophic lateral sclerosis (ALS, Liu et al 2019. PubMed ID: 30337194). This variant has not been reported in gnomAD, indicating this variant is rare. At this time, the clinical significance of this variant is uncertain due to the absence of conclusive functional and genetic evidence.

Labcorp Genetics (formerly Invitae), Labcorp
Classification: Uncertain significance. Last evaluated: 2024-03-07. Review status: criteria provided, single submitter. Criteria: Invitae Variant Classification Sherloc (09022015). Collection method: clinical testing. Allele origin: germline.
Comment: This sequence change replaces isoleucine, which is neutral and non-polar, with methionine, which is neutral and non-polar, at codon 307 of the ANXA11 protein (p.Ile307Met). This variant is not present in population databases (gnomAD no frequency). This missense change has been observed in individual(s) with amyotrophic lateral sclerosis (PMID: 30337194). An algorithm developed to predict the effect of missense changes on protein structure and function (PolyPhen-2) suggests that this variant is likely to be disruptive. In summary, the available evidence is currently insufficient to determine the role of this variant in disease. Therefore, it has been classified as a Variant of Uncertain Significance.

Literature cited by the submitters: PubMed 30337194 (cited by Labcorp Genetics (formerly Invitae), Labcorp).

NM_145868.2(ANXA11):c.921C>G (p.Ile307Met)

Gene: ANXA11 (annexin A11; minus strand). Cytogenetic location: 10q22.3.
Variant type: single nucleotide variant.
Coding change: c.921C>G on transcript NM_145868.2 (MANE Select); coding-DNA position 921, C replaced by G.
Protein change: p.Ile307Met; replaces isoleucine 307 with methionine.
Molecular consequence: missense variant.
Genome position (GRCh38, 1-based): chr10:80,164,081, G>C on the plus strand (C>G on the coding strand, the complement: ANXA11 is on the minus strand). VCF-style: chr10-80164081-G-C. GRCh37 (hg19) VCF-style: chr10-81923837-G-C.
Other names: c.921C>G, p.Ile307Met (NM_001157.3, NM_001278407.2, NM_001278408.2 and 1 more transcripts); c.822C>G, p.Ile274Met (NM_001278409.2); c.921C>G (NM_145869.1); short protein forms I307M, I274M.
Identifiers: ClinVar variation 3706373 (VCV003706373.3).